The following is an entry in ClinVar:

NM_018013.4(SOBP):c.1947G>A (p.Pro649=)

Gene: SOBP (sine oculis binding protein homolog; plus strand). Cytogenetic location: 6q21.
Variant type: single nucleotide variant.
Coding change: c.1947G>A on transcript NM_018013.4 (MANE Select); coding-DNA position 1947, G replaced by A.
Protein change: p.Pro649=; no amino-acid change (proline 649 retained).
Molecular consequence: synonymous variant.
Genome position (GRCh38, 1-based): chr6:107,634,791, G>A. VCF-style: chr6-107634791-G-A. GRCh37 (hg19) VCF-style: chr6-107955995-G-A.
Identifiers: ClinVar variation 2656819 (VCV002656819.24), dbSNP rs774801789, ClinGen allele CA3946610.

ClinVar aggregate classification (germline): Likely benign (1 of 4 stars; one submission).

Allele frequency attached by ClinVar (database versions not stated): ExAC 0.00010.
gnomAD v4.1: 2 of 1,397,700 alleles (0.00014%); highest among the groups gnomAD compares: East Asian, 0.0033%; no homozygotes.

Submission:

CeGaT Center for Human Genetics Tuebingen
Classification: Likely benign. Last evaluated: 2022-05-01. Review status: criteria provided, single submitter. Criteria: CeGaT Center For Human Genetics Tuebingen Variant Classification Criteria Version 2. Collection method: clinical testing. Allele origin: germline. Affected: yes. Observed: 1 variant allele.
Comment: SOBP: BP4, BP7